The following is an entry in ClinVar:

ClinVar aggregate classification (germline): Pathogenic. Review status: criteria provided, multiple submitters, no conflicts (2 of 4 stars). 8 submissions from 8 submitters: Pathogenic (7). 1 of the submissions does not count toward it. Last evaluated 2026-10-19.

Conditions:
RP1-related recessive retinopathy. Identifiers: MedGen CN322605, MONDO:0800399.
Retinitis pigmentosa 1 (RP1). Identifiers: Orphanet 791, MedGen C0220701, MONDO:0008377, OMIM 180100.
RP1-related disorder. Also called: RP1-related condition.
Retinitis pigmentosa (RP). Identifiers: Orphanet 791, MedGen C0035334, MeSH D012174, MONDO:0019200, OMIM 268000. Inheritance: Autosomal dominant, autosomal recessive and X linked inheritance.
Autosomal recessive retinitis pigmentosa. Identifiers: MedGen C0339526.

Allele frequency attached by ClinVar (database versions not stated): gnomAD exomes 0.00001.
gnomAD v4.1: 7 of 1,613,708 alleles (0.00043%); highest among the groups gnomAD compares: East Asian, 0.0022%; no homozygotes.

Submissions (8):

Department of Ophthalmology, Seoul National University Bundang Hospital
Classification: Pathogenic for RP1-related recessive retinopathy. Last evaluated: 2026-10-19. Review status: criteria provided, single submitter. Criteria: ACMG Guidelines, 2015. Collection method: clinical testing. Allele origin: germline. Inheritance: Autosomal recessive inheritance. Affected: yes.
Comment: Nonsense variant in exon 4. Identified in a Korean multicenter RP1 cohort (PMID:42847597) with recessive retinitis pigmentosa. ACMG/AMP criteria: PVS1, PS4, PM2. Previously reported by Siemiatkowska et al., 2012 (PMID:23077400); Eisenberger et al., 2013 (PMID:24265693).

Lab De Baere, Eye and Developmental Genetics Lab, Ghent University
Classification: Pathogenic for Retinitis pigmentosa. Last evaluated: 2024-10-01. Review status: criteria provided, single submitter. Criteria: ACMG Guidelines, 2015. Collection method: research. Allele origin: inherited. Affected: yes. Observed: 1 variant allele.
Comment: ACMG/AMP guidelines: PM2, PP4_PP, PP5, PVS1_PS1, PP1, PM3_PP

Labcorp Genetics (formerly Invitae), Labcorp
Classification: Pathogenic. Last evaluated: 2024-04-08. Review status: criteria provided, single submitter. Criteria: Invitae Variant Classification Sherloc (09022015). Collection method: clinical testing. Allele origin: germline.
Comment: This sequence change creates a premature translational stop signal (p.Arg338*) in the RP1 gene. While this is not anticipated to result in nonsense mediated decay, it is expected to disrupt the last 1819 amino acid(s) of the RP1 protein. This variant is not present in population databases (gnomAD no frequency). This premature translational stop signal has been observed in individuals with autosomal recessive retinitis pigmentosa (PMID: 23077400, 23105016, 24265693). ClinVar contains an entry for this variant (Variation ID: 871848). For these reasons, this variant has been classified as Pathogenic.

Blueprint Genetics
Classification: Pathogenic for RP1-related disorders. Last evaluated: 2023-12-15. Review status: criteria provided, single submitter. Criteria: ACMG Guidelines, 2015. Collection method: clinical testing. Allele origin: germline. Affected: yes. Observed: 5 variant alleles.

3billion
Classification: Pathogenic for Retinitis pigmentosa 1. Last evaluated: 2022-01-03. Review status: criteria provided, single submitter. Criteria: ACMG Guidelines, 2015. Collection method: clinical testing. Allele origin: germline. Affected: yes. Observed: 1 homozygote.
Comment: Stop-gained (nonsense): predicted to result in a loss or disruption of normal protein function through protein truncation. Multiple pathogenic variants are reported in the predicted truncated region (PVS1_S). The variant has been reported to be associated with RP1 related disorder (ClinVar ID: VCV000871848, PMID:23105016). It is not observed in the gnomAD v2.1.1 dataset (PM2_M). Therefore, this variant is classified as pathogenic according to the recommendation of ACMG/AMP guideline.

Revvity Omics, Revvity
Classification: Pathogenic for Retinitis pigmentosa 1. Last evaluated: 2019-10-28. Review status: criteria provided, single submitter. Criteria: ACMG Guidelines, 2015. Collection method: clinical testing. Allele origin: germline.

CeGaT Center for Human Genetics Tuebingen
Classification: Pathogenic. Last evaluated: 2019-08-01. Review status: criteria provided, single submitter. Criteria: CeGaT Center For Human Genetics Tuebingen Variant Classification Criteria Version 2. Collection method: clinical testing. Allele origin: germline. Affected: yes. Observed: 1 variant allele.

Faculty of Health Sciences, Beirut Arab University
Classification: Pathogenic for Autosomal recessive Retinitis Pigmentosa. Last evaluated: 2012-10-26. Review status: no assertion criteria provided. Collection method: literature only. Allele origin: germline. Affected: yes. Observed: 1 variant allele. Not counted in ClinVar's aggregate classification.

Literature cited by the submitters: PubMed 42847597 (cited by Department of Ophthalmology, Seoul National University Bundang Hospital); PubMed 23077400 (cited by Department of Ophthalmology, Seoul National University Bundang Hospital and Labcorp Genetics (formerly Invitae), Labcorp); PubMed 24265693 (cited by Department of Ophthalmology, Seoul National University Bundang Hospital and Labcorp Genetics (formerly Invitae), Labcorp); PubMed 23105016 (cited by 3 submitters).

NM_006269.2(RP1):c.1012C>T (p.Arg338Ter)

Gene: RP1 (RP1 axonemal microtubule associated; plus strand). Cytogenetic location: 8q12.1.
Variant type: single nucleotide variant.
Coding change: c.1012C>T on transcript NM_006269.2 (MANE Select); coding-DNA position 1012, C replaced by T.
Protein change: p.Arg338Ter; replaces arginine 338 with a stop codon.
Molecular consequence: nonsense. On other transcripts: intron variant (1).
Genome position (GRCh38, 1-based): chr8:54,624,894, C>T. VCF-style: chr8-54624894-C-T. GRCh37 (hg19) VCF-style: chr8-55537454-C-T.
Other names: p.Arg338*; c.787+2606C>T (NM_001375654.1); short protein forms R338*.
Identifiers: ClinVar variation 871848 (VCV000871848.53), dbSNP rs1805984836, ClinGen allele CA370989092.